The following is an entry in ClinVar:

ClinVar aggregate classification (germline): Conflicting classifications of pathogenicity. Review status: criteria provided, conflicting classifications (1 of 4 stars). 2 submissions from 2 submitters: Uncertain significance (1); Likely benign (1). Last evaluated 2025-02-19.

Conditions:
Hereditary cancer-predisposing syndrome. Also called: Tumor predisposition; Hereditary Cancer Syndrome; Hereditary neoplastic syndrome; Neoplastic Syndromes, Hereditary. Identifiers: Orphanet 140162, MedGen C0027672, MeSH D009386, MONDO:0015356.
Hereditary breast ovarian cancer syndrome. Also called: Hereditary breast and ovarian cancer; BRCA1- and BRCA2-Associated Hereditary Breast and Ovarian Cancer; Hereditary breast and ovarian cancer syndrome; Hereditary breast and ovarian cancer syndrome (HBOC); Breast and ovarian cancer; Hereditary breast and/or ovarian cancer syndrome. Identifiers: Orphanet 145, MedGen C0677776, MeSH D061325, MONDO:0003582. Disease mechanism: loss of function.

gnomAD v4.1: 1 of 1,612,204 alleles (0.000062%); highest among the groups gnomAD compares: East Asian, 0.0022%; no homozygotes.

Submissions (2):

Labcorp Genetics (formerly Invitae), Labcorp
Classification: Uncertain significance for Hereditary breast ovarian cancer syndrome. Last evaluated: 2025-02-19. Review status: criteria provided, single submitter. Criteria: Invitae Variant Classification Sherloc (09022015). Collection method: clinical testing. Allele origin: germline.
Comment: This sequence change replaces aspartic acid, which is acidic and polar, with tyrosine, which is neutral and polar, at codon 1033 of the BRCA2 protein (p.Asp1033Tyr). This variant is present in population databases (no rsID available, gnomAD 0.006%). This missense change has been observed in individual(s) with breast and/or ovarian cancer or a family history of breast cancer (PMID: 21120943). ClinVar contains an entry for this variant (Variation ID: 1481437). Invitae Evidence Modeling of protein sequence and biophysical properties (such as structural, functional, and spatial information, amino acid conservation, physicochemical variation, residue mobility, and thermodynamic stability) indicates that this missense variant is not expected to disrupt BRCA2 protein function with a negative predictive value of 95%. In summary, the available evidence is currently insufficient to determine the role of this variant in disease. Therefore, it has been classified as a Variant of Uncertain Significance.

University of Washington Department of Laboratory Medicine, University of Washington
Classification: Likely benign for Hereditary cancer-predisposing syndrome. Last evaluated: 2023-03-23. Review status: criteria provided, single submitter. Criteria: Dines et al. (Genet Med. 2020). Collection method: curation. Allele origin: germline.
Comment: Missense variant in a coldspot region where missense variants are very unlikely to be pathogenic (PMID:31911673).

BRCA2 exon 11 coldspot. Reclassification based on statistical prior probability.

Literature cited by the submitters: PubMed 21120943 (cited by Labcorp Genetics (formerly Invitae), Labcorp).

NM_000059.4(BRCA2):c.3097G>T (p.Asp1033Tyr)

Gene: BRCA2 (BRCA2 DNA repair associated; plus strand). Cytogenetic location: 13q13.1.
Variant type: single nucleotide variant.
Coding change: c.3097G>T on transcript NM_000059.4 (MANE Select); coding-DNA position 3097, G replaced by T.
Protein change: p.Asp1033Tyr; replaces aspartic acid 1033 with tyrosine.
Molecular consequence: missense variant.
Genome position (GRCh38, 1-based): chr13:32,337,452, G>T. VCF-style: chr13-32337452-G-T. GRCh37 (hg19) VCF-style: chr13-32911589-G-T.
Other names: short protein forms D1033Y.
Identifiers: ClinVar variation 1481437 (VCV001481437.9), dbSNP rs780279081, ClinGen allele CA387775314.
Genomic context (GRCh38, chr13:32,337,452, plus strand): 5'-TCAAATAAGGAAATCAAGCTCTCTGAACATAACATTAAGAAGAGCAAAATGTTCTTCAAA[G>T]ATATTGAAGAACAATATCCTACTAGTTTAGCTTGTGTTGAAATTGTAAATACCTTGGCAT-3'
Protein context (NP_000050.3, residues 1023-1043): NIKKSKMFFK[Asp1033Tyr]IEEQYPTSLA